The following is an entry in ClinVar:

ClinVar aggregate classification (germline): Likely benign. Review status: criteria provided, multiple submitters, no conflicts (2 of 4 stars). 3 submissions from 3 submitters: Likely benign (3). Last evaluated 2026-09-22.

Conditions:
PLEC-related disorder. Also called: PLEC-related condition; PLEC-related disorders.
Epidermolysis bullosa simplex, Ogna type (EBS5A). Also called: EPIDERMOLYSIS BULLOSA SIMPLEX 5A, OGNA TYPE; Pidermolysis bullosa simplex 5A, Ogna type. Identifiers: Orphanet 79401, MedGen C0432317, MONDO:0007555, OMIM 131950.
Epidermolysis bullosa simplex 5C, with pyloric atresia (EBS5C). Also called: PLEC1-Related Epidermolysis Bullosa with Pyloric Atresia; PLEC-Related Epidermolysis Bullosa with Pyloric Atresia; Epidermolysis bullosa simplex with pyloric atresia. Identifiers: Orphanet 158684, MedGen C2677349, MONDO:0012807, OMIM 612138.
Epidermolysis bullosa simplex 5B, with muscular dystrophy (EBS5B). Also called: Epidermolysis bullosa simplex with muscular dystrophy; EPIDERMOLYSIS BULLOSA SIMPLEX AND LIMB-GIRDLE MUSCULAR DYSTROPHY. Identifiers: Orphanet 257, MedGen C2931072, MONDO:0009181, OMIM 226670.
Autosomal recessive limb-girdle muscular dystrophy type 2Q (LGMDR17). Also called: MUSCULAR DYSTROPHY, LIMB-GIRDLE, AUTOSOMAL RECESSIVE 17. Identifiers: Orphanet 254361, MedGen C3150989, MONDO:0013390, OMIM 613723.
Epidermolysis bullosa simplex with nail dystrophy (EBS5D). Identifiers: MedGen C4225309, MONDO:0014661, OMIM 616487.

Allele frequency attached by ClinVar (database versions not stated): ExAC 0.00002; gnomAD 0.00003 and 0.00004; ESP Exome Variant Server 0.00017.
gnomAD v4.1: 19 of 1,609,374 alleles (0.0012%); highest among the groups gnomAD compares: Admixed American, 0.0084%; no homozygotes.

Submissions (3):

PreventionGenetics, part of Exact Sciences
Classification: Likely benign for PLEC-related condition. Last evaluated: 2026-09-22. Review status: criteria provided, single submitter. Criteria: ACMG Guidelines, 2015. Collection method: clinical testing. Allele origin: germline.
Comment: This variant is classified as likely benign based on ACMG/AMP sequence variant interpretation guidelines (Richards et al. 2015 PMID: 25741868, with internal and published modifications).

Labcorp Genetics (formerly Invitae), Labcorp
Classification: Likely benign for Autosomal recessive limb-girdle muscular dystrophy type 2Q; Epidermolysis bullosa simplex, Ogna type; Epidermolysis bullosa simplex with nail dystrophy; Epidermolysis bullosa simplex 5C, with pyloric atresia; Epidermolysis bullosa simplex 5B, with muscular dystrophy. Last evaluated: 2025-04-11. Review status: criteria provided, single submitter. Criteria: Invitae Variant Classification Sherloc (09022015). Collection method: clinical testing. Allele origin: germline.

CeGaT Center for Human Genetics Tuebingen
Classification: Likely benign. Last evaluated: 2025-04-01. Review status: criteria provided, single submitter. Criteria: CeGaT Center For Human Genetics Tuebingen Variant Classification Criteria Version 2. Collection method: clinical testing. Allele origin: germline. Affected: yes. Observed: 1 variant allele.
Comment: PLEC: BP4, BP7

NM_201384.3(PLEC):c.11289G>A (p.Ser3763=)

Gene: PLEC (plectin; minus strand). Cytogenetic location: 8q24.3.
Variant type: single nucleotide variant.
Coding change: c.11289G>A on transcript NM_201384.3 (MANE Select); coding-DNA position 11289, G replaced by A.
Protein change: p.Ser3763=; no amino-acid change (serine 3763 retained).
Molecular consequence: synonymous variant.
Genome position (GRCh38, 1-based): chr8:143,918,532, C>T on the plus strand (G>A on the coding strand, the complement: PLEC is on the minus strand). VCF-style: chr8-143918532-C-T. GRCh37 (hg19) VCF-style: chr8-144992700-C-T.
Other names: c.11370G>A, p.Ser3790= (NM_000445.5); c.11247G>A, p.Ser3749= (NM_201378.4); c.11223G>A, p.Ser3741= (NM_201379.3); c.11700G>A, p.Ser3900= (NM_201380.4); c.11193G>A, p.Ser3731= (NM_201381.3); c.11289G>A, p.Ser3763= (NM_201382.4); c.11301G>A, p.Ser3767= (NM_201383.3); c.11370G>A (NM_000445.4).
Identifiers: ClinVar variation 1503244 (VCV001503244.14), dbSNP rs373507638, ClinGen allele CA4924390.